The following is an entry in ClinVar:

NM_001366385.1(CARD14):c.2894G>C (p.Cys965Ser)

Genes: CARD14 (caspase recruitment domain family member 14; plus strand), SGSH (N-sulfoglucosamine sulfohydrolase; minus strand). Cytogenetic location: 17q25.3.
Variant type: single nucleotide variant.
Coding change: c.2894G>C on transcript NM_001366385.1 (MANE Select); coding-DNA position 2894, G replaced by C.
Protein change: p.Cys965Ser; replaces cysteine 965 with serine.
Molecular consequence: missense variant. On other transcripts: non-coding transcript variant (1).
Genome position (GRCh38, 1-based): chr17:80,208,224, G>C. VCF-style: chr17-80208224-G-C. GRCh37 (hg19) VCF-style: chr17-78182023-G-C.
Other names: c.2894G>C, p.Cys965Ser (NM_024110.4); short protein forms C965S.
Identifiers: ClinVar variation 1366288 (VCV001366288.6), dbSNP rs769815186, ClinGen allele CA401357527.
Genomic context (GRCh38, chr17:80,208,224, plus strand): 5'-CAGAGGAGCAGCTCCTGGAGGCTGCGAGGCAGGAGGAGGGAGACCTGGACCGGGCGCCCT[G>C]TCTATACAGCAGCCTGGCTCCTGACGGCTGGAGCGACCTGGACGGCCTGCTCAGCTGTGT-3'
Protein context (NP_001353314.1, residues 955-975): QEEGDLDRAP[Cys965Ser]LYSSLAPDGW

ClinVar aggregate classification (germline): Uncertain significance (1 of 4 stars; one submission).

Conditions:
Psoriasis 2. Identifiers: MedGen C1864497, MONDO:0011269, OMIM 602723.
Pityriasis rubra pilaris (PRP). Also called: Pityriasis rubra pilaris--familial type. Identifiers: Orphanet 2897, MedGen C0032027, MONDO:0100017, OMIM 173200, MONDO:0008251.

Submission:

Labcorp Genetics (formerly Invitae), Labcorp
Classification: Uncertain significance for Pityriasis rubra pilaris; Psoriasis 2. Last evaluated: 2026-01-02. Review status: criteria provided, single submitter. Criteria: Invitae Variant Classification Sherloc (09022015). Collection method: clinical testing. Allele origin: germline.
Comment: This sequence change replaces cysteine, which is neutral and slightly polar, with serine, which is neutral and polar, at codon 965 of the CARD14 protein (p.Cys965Ser). This variant is not present in population databases (gnomAD no frequency). This variant has not been reported in the literature in individuals affected with CARD14-related conditions. ClinVar contains an entry for this variant (Variation ID: 1366288). Invitae Evidence Modeling of protein sequence and biophysical properties (such as structural, functional, and spatial information, amino acid conservation, physicochemical variation, residue mobility, and thermodynamic stability) indicates that this missense variant is not expected to disrupt CARD14 protein function with a negative predictive value of 95%. In summary, the available evidence is currently insufficient to determine the role of this variant in disease. Therefore, it has been classified as a Variant of Uncertain Significance.